The following is an entry in ClinVar:

ClinVar aggregate classification (germline): Uncertain significance. Review status: criteria provided, single submitter (1 of 4 stars). 2 submissions from 2 submitters: Uncertain significance (1). 1 of the submissions does not count toward it. Last evaluated 2025-04-22.

Conditions:
PLXNA2-related disorder. Also called: PLXNA2-related condition.

Allele frequency attached by ClinVar (database versions not stated): ExAC 0.00001; gnomAD 0.00001; gnomAD exomes 0.00001; TOPMed 0.00001.
gnomAD v4.1: 18 of 1,613,972 alleles (0.0011%); highest among the groups gnomAD compares: Non-Finnish European, 0.0014%; no homozygotes.

Submissions (2):

Labcorp Genetics (formerly Invitae), Labcorp
Classification: Uncertain significance. Last evaluated: 2025-04-22. Review status: criteria provided, single submitter. Criteria: Invitae Variant Classification Sherloc (09022015). Collection method: clinical testing. Allele origin: germline.
Comment: This sequence change replaces threonine, which is neutral and polar, with isoleucine, which is neutral and non-polar, at codon 973 of the PLXNA2 protein (p.Thr973Ile). This variant is present in population databases (rs773298902, gnomAD 0.0009%). This variant has not been reported in the literature in individuals affected with PLXNA2-related conditions. ClinVar contains an entry for this variant (Variation ID: 2629366). Invitae Evidence Modeling of protein sequence and biophysical properties (such as structural, functional, and spatial information, amino acid conservation, physicochemical variation, residue mobility, and thermodynamic stability) indicates that this missense variant is not expected to disrupt PLXNA2 protein function with a negative predictive value of 80%. In summary, the available evidence is currently insufficient to determine the role of this variant in disease. Therefore, it has been classified as a Variant of Uncertain Significance.

PreventionGenetics, part of Exact Sciences
Classification: Uncertain significance for PLXNA2-related condition. Last evaluated: 2024-03-26. Review status: no assertion criteria provided. Collection method: clinical testing. Allele origin: germline. Not counted in ClinVar's aggregate classification.
Comment: The PLXNA2 c.2918C>T variant is predicted to result in the amino acid substitution p.Thr973Ile. To our knowledge, this variant has not been reported in the literature. This variant is reported in 0.0018% of alleles in individuals of European (Non-Finnish) descent in gnomAD. At this time, the clinical significance of this variant is uncertain due to the absence of conclusive functional and genetic evidence.

NM_025179.4(PLXNA2):c.2918C>T (p.Thr973Ile)

Gene: PLXNA2 (plexin A2; minus strand). Cytogenetic location: 1q32.2.
Variant type: single nucleotide variant.
Coding change: c.2918C>T on transcript NM_025179.4 (MANE Select); coding-DNA position 2918, C replaced by T.
Protein change: p.Thr973Ile; replaces threonine 973 with isoleucine.
Molecular consequence: missense variant.
Genome position (GRCh38, 1-based): chr1:208,052,402, G>A on the plus strand (C>T on the coding strand, the complement: PLXNA2 is on the minus strand). VCF-style: chr1-208052402-G-A. GRCh37 (hg19) VCF-style: chr1-208225747-G-A.
Other names: short protein forms T973I.
Identifiers: ClinVar variation 2629366 (VCV002629366.3), dbSNP rs773298902, ClinGen allele CA1373353.